The following is an entry in ClinVar:

NM_014112.5(TRPS1):c.2757_2758dup (p.Trp920fs)

Gene: TRPS1 (transcriptional repressor GATA binding 1; minus strand). Cytogenetic location: 8q23.3.
Variant type: Microsatellite.
Coding change: c.2757_2758dup on transcript NM_014112.5 (MANE Select); coding-DNA positions 2757 to 2758, 2 bases duplicated (CT; older notation c.2757_2758dupCT).
Protein change: p.Trp920fs; shifts the reading frame from tryptophan 920.
Molecular consequence: frameshift variant.
Genome position (GRCh38, 1-based): chr8:115,418,395-115,418,396, AG duplicated on the plus strand (CT on the coding strand, the reverse complement: TRPS1 is on the minus strand); duplicating any 2 consecutive bases within chr8:115,418,395-115,418,402 gives the same sequence; the c. name uses the placement nearest the transcript's 3' end. VCF-style (leftmost placement, unchanged base first): chr8-115418394-C-CAG. GRCh37 (hg19) VCF-style: chr8-116430622-C-CAG.
Other names: c.2730_2731dup, p.Trp911fs (NM_001282902.3); c.2736_2737dup, p.Trp913fs (NM_001282903.3); c.2718_2719dup, p.Trp907fs (NM_001330599.2); short protein forms W920fs, W907fs, W911fs, W913fs.
Identifiers: ClinVar variation 2692541 (VCV002692541.1), dbSNP rs2129768973, ClinGen allele CA2697550110.

ClinVar aggregate classification (germline): Likely pathogenic (1 of 4 stars; one submission).

Conditions:
Trichorhinophalangeal syndrome, type III (TRPS3). Also called: SUGIO-KAJII SYNDROME. Identifiers: Orphanet 77258, MedGen C1860823, OMIM 190351, MONDO:0008597.

Submission:

Greenwood Genetic Center Diagnostic Laboratories, Greenwood Genetic Center
Classification: Likely pathogenic for Trichorhinophalangeal syndrome, type III. Last evaluated: 2023-10-11. Review status: criteria provided, single submitter. Criteria: ACMG Guidelines, 2015. Collection method: clinical testing. Allele origin: germline. Affected: yes.
Comment: PVS1, PM2